The following is an entry in ClinVar:

ClinVar aggregate classification (germline): Benign/Likely benign. Review status: criteria provided, multiple submitters, no conflicts (2 of 4 stars). 2 submissions from 2 submitters: Benign (1); Likely benign (1). Last evaluated 2025-01-30.

Conditions:
Hereditary cancer-predisposing syndrome. Also called: Neoplastic Syndromes, Hereditary; Tumor predisposition; Hereditary Cancer Syndrome; Hereditary neoplastic syndrome. Identifiers: Orphanet 140162, MedGen C0027672, MeSH D009386, MONDO:0015356.
Lynch syndrome 4 (LYNCH4). Also called: Hereditary non-polyposis colorectal cancer, type 4; Colorectal cancer, hereditary nonpolyposis, type 4. Identifiers: Orphanet 144, MedGen C1838333, MONDO:0013699, OMIM 614337. Disease mechanism: loss of function.

Submissions (2):

Myriad Genetics, Inc.
Classification: Benign for Lynch syndrome 4. Last evaluated: 2025-01-30. Review status: criteria provided, single submitter. Criteria: Myriad Autosomal Dominant, Autosomal Recessive and X-Linked Classification Criteria (2023). Collection method: clinical testing. Allele origin: unknown.
Comment: This variant is considered benign. This variant is a silent/synonymous amino acid change and it is not expected to impact splicing.

Ambry Genetics
Classification: Likely benign for Hereditary cancer-predisposing syndrome. Last evaluated: 2019-11-30. Review status: criteria provided, single submitter. Criteria: Ambry Variant Classification Scheme 2023. Collection method: clinical testing. Allele origin: germline.

NM_000535.7(PMS2):c.1230A>G (p.Glu410=)

Gene: PMS2 (PMS1 homolog 2, mismatch repair system component; minus strand). Cytogenetic location: 7p22.1.
Variant type: single nucleotide variant.
Coding change: c.1230A>G on transcript NM_000535.7 (MANE Select); coding-DNA position 1230, A replaced by G.
Protein change: p.Glu410=; no amino-acid change (glutamic acid 410 retained).
Molecular consequence: synonymous variant. On other transcripts: non-coding transcript variant (1), intron variant (1).
Genome position (GRCh38, 1-based): chr7:5,987,535, T>C on the plus strand (A>G on the coding strand, the complement: PMS2 is on the minus strand). VCF-style: chr7-5987535-T-C. GRCh37 (hg19) VCF-style: chr7-6027166-T-C.
Other names: c.825A>G, p.Glu275= (NM_001018040.1, NM_001322003.2, NM_001322004.2 and 17 more transcripts); c.1074A>G, p.Glu358= (NM_001322006.2, NM_001406870.1); c.912A>G, p.Glu304= (NM_001322007.2, NM_001322008.2, NM_001406876.1 and 2 more transcripts); c.669A>G, p.Glu223= (NM_001322010.2, NM_001406906.1, NM_001406907.1); c.297A>G, p.Glu99= (NM_001322011.2, NM_001322012.2); c.657A>G, p.Glu219= (NM_001322013.2, NM_001406909.1); c.1230A>G, p.Glu410= (NM_001322014.2, NM_001406871.1, NM_001406872.1); c.921A>G, p.Glu307= (NM_001322015.2, NM_001406875.1, NM_001406877.1 and 5 more transcripts); and 13 more.
Identifiers: ClinVar variation 1755354 (VCV001755354.3), dbSNP rs2128735764, ClinGen allele CA453748408.
Genomic context (GRCh38, chr7:5,987,535, plus strand): 5'-TGTTGTGTGACGAAGAGAAAAGGCCTCTCGCAGTCTGGAAATGGACACGTCTTTTTTTTC[T>C]TCTCCAGTCCTTAATGAAGGGGATTGATCCTGCTTTTCTACCATGGGCTTTTCCAAATCC-3'
Protein context (NP_000526.2, residues 400-420): QDQSPSLRTG[Glu410=]EKKDVSISRL